The following is an entry in ClinVar:

NM_000038.6(APC):c.5299G>T (p.Gly1767Cys)

Gene: APC (APC regulator of Wnt signaling pathway; plus strand). Cytogenetic location: 5q22.2.
Variant type: single nucleotide variant.
Coding change: c.5299G>T on transcript NM_000038.6 (MANE Select); coding-DNA position 5299, G replaced by T.
Protein change: p.Gly1767Cys; replaces glycine 1767 with cysteine.
Molecular consequence: missense variant.
Genome position (GRCh38, 1-based): chr5:112,840,893, G>T. VCF-style: chr5-112840893-G-T. GRCh37 (hg19) VCF-style: chr5-112176590-G-T.
Other names: c.5299G>T, p.Gly1767Cys (NM_001127510.3, NM_001354895.2, NM_001407450.1); c.5245G>T, p.Gly1749Cys (NM_001127511.3); c.5353G>T, p.Gly1785Cys (NM_001354896.2, NM_001407447.1, NM_001407448.1 and 1 more transcripts); c.5329G>T, p.Gly1777Cys (NM_001354897.2); c.5224G>T, p.Gly1742Cys (NM_001354898.2); c.5215G>T, p.Gly1739Cys (NM_001354899.2); c.5176G>T, p.Gly1726Cys (NM_001354900.2); c.5122G>T, p.Gly1708Cys (NM_001354901.2, NM_001407453.1); and 11 more; short protein forms G1383C, G1484C, G1607C, G1638C, G1641C, G1666C, G1676C, G1684C.
Identifiers: ClinVar variation 1721309 (VCV001721309.6), dbSNP rs1554086616, ClinGen allele CA16032917.

ClinVar aggregate classification (germline): Uncertain significance (1 of 4 stars; one submission).

Conditions:
Familial adenomatous polyposis 1 (FAP1). Also called: FAMILIAL ADENOMATOUS POLYPOSIS 1, ATTENUATED; POLYPOSIS, ADENOMATOUS INTESTINAL. Identifiers: MedGen C2713442, MONDO:0021056, OMIM 175100. Disease mechanism: loss of function.

Submission:

Labcorp Genetics (formerly Invitae), Labcorp
Classification: Uncertain significance for Familial adenomatous polyposis 1. Last evaluated: 2022-10-08. Review status: criteria provided, single submitter. Criteria: Invitae Variant Classification Sherloc (09022015). Collection method: clinical testing. Allele origin: germline.
Comment: This variant is not present in population databases (gnomAD no frequency). This sequence change replaces glycine, which is neutral and non-polar, with cysteine, which is neutral and slightly polar, at codon 1767 of the APC protein (p.Gly1767Cys). This variant has not been reported in the literature in individuals affected with APC-related conditions. Advanced modeling of protein sequence and biophysical properties (such as structural, functional, and spatial information, amino acid conservation, physicochemical variation, residue mobility, and thermodynamic stability) performed at Invitae indicates that this missense variant is not expected to disrupt APC protein function. In summary, the available evidence is currently insufficient to determine the role of this variant in disease. Therefore, it has been classified as a Variant of Uncertain Significance.